The following is an entry in ClinVar:

NM_001173990.3(TMEM216):c.91A>G (p.Asn31Asp)

Gene: TMEM216 (transmembrane protein 216; plus strand). Cytogenetic location: 11q12.2.
Variant type: single nucleotide variant.
Coding change: c.91A>G on transcript NM_001173990.3 (MANE Select); coding-DNA position 91, A replaced by G.
Protein change: p.Asn31Asp; replaces asparagine 31 with aspartic acid.
Molecular consequence: missense variant. On other transcripts: 5 prime UTR variant (2).
Genome position (GRCh38, 1-based): chr11:61,393,287, A>G. VCF-style: chr11-61393287-A-G. GRCh37 (hg19) VCF-style: chr11-61160759-A-G.
Other names: c.91A>G, p.Asn31Asp (NM_001173991.3); c.-93A>G (NM_001330285.2, NM_016499.6); short protein forms N31D.
Identifiers: ClinVar variation 1983295 (VCV001983295.2), dbSNP rs1308476266, ClinGen allele CA380684655.

ClinVar aggregate classification (germline): Uncertain significance. Review status: criteria provided, multiple submitters, no conflicts (2 of 4 stars). 2 submissions from 2 submitters: Uncertain significance (2). Last evaluated 2022-02-19.

Conditions:
Inborn genetic diseases. Identifiers: MedGen C0950123, MeSH D030342.
Joubert syndrome. Also called: CEREBELLOPARENCHYMAL DISORDER IV; JOUBERT-BOLTSHAUSER SYNDROME; Familial aplasia of the vermis. Identifiers: Orphanet 475, MedGen C5979921, MONDO:0018772.

Allele frequency attached by ClinVar (database versions not stated): gnomAD 0.00001; gnomAD exomes 0.00001; TOPMed 0.00001.
gnomAD v4.1: 4 of 1,535,906 alleles (0.00026%); highest among the groups gnomAD compares: Non-Finnish European, 0.00035%; no homozygotes.

Submissions (2):

Labcorp Genetics (formerly Invitae), Labcorp
Classification: Uncertain significance for Joubert syndrome. Last evaluated: 2022-02-19. Review status: criteria provided, single submitter. Criteria: Invitae Variant Classification Sherloc (09022015). Collection method: clinical testing. Allele origin: germline.
Comment: This sequence change replaces asparagine, which is neutral and polar, with aspartic acid, which is acidic and polar, at codon 31 of the TMEM216 protein (p.Asn31Asp). This variant is not present in population databases (gnomAD no frequency). This variant has not been reported in the literature in individuals affected with TMEM216-related conditions. Algorithms developed to predict the effect of missense changes on protein structure and function (SIFT, PolyPhen-2, Align-GVGD) all suggest that this variant is likely to be tolerated. Algorithms developed to predict the effect of sequence changes on RNA splicing suggest that this variant may create or strengthen a splice site. In summary, the available evidence is currently insufficient to determine the role of this variant in disease. Therefore, it has been classified as a Variant of Uncertain Significance.

Ambry Genetics
Classification: Uncertain significance for Inborn genetic diseases. Last evaluated: 2021-12-20. Review status: criteria provided, single submitter. Criteria: Ambry Variant Classification Scheme 2023. Collection method: clinical testing. Allele origin: germline.